The following is an entry in ClinVar:

NM_004996.4(ABCC1):c.3901C>T (p.Arg1301Cys)

Gene: ABCC1 (ATP binding cassette subfamily C member 1 (ABCC1 blood group); plus strand). Cytogenetic location: 16p13.11.
Variant type: single nucleotide variant.
Coding change: c.3901C>T on transcript NM_004996.4 (MANE Select); coding-DNA position 3901, C replaced by T.
Protein change: p.Arg1301Cys; replaces arginine 1301 with cysteine.
Molecular consequence: missense variant.
Genome position (GRCh38, 1-based): chr16:16,131,870, C>T. VCF-style: chr16-16131870-C-T. GRCh37 (hg19) VCF-style: chr16-16225727-C-T.
Other names: c.3724C>T, p.Arg1242Cys (NM_019862.3); short protein forms R1242C, R1301C.
Identifiers: ClinVar variation 1879336 (VCV001879336.29), dbSNP rs201533167, ClinGen allele CA7924852.

ClinVar aggregate classification (germline): Likely benign (1 of 4 stars; one submission).

Allele frequency attached by ClinVar (database versions not stated): 1000 Genomes Project 30x 0.00016; 1000 Genomes Project 0.00020; gnomAD exomes 0.00042; ExAC 0.00044; TOPMed 0.00048; gnomAD 0.00052; ESP Exome Variant Server 0.00064.
gnomAD v4.1: 685 of 1,614,160 alleles (0.042%); highest among the groups gnomAD compares: Non-Finnish European, 0.05%; no homozygotes.

Submission:

CeGaT Center for Human Genetics Tuebingen
Classification: Likely benign. Last evaluated: 2022-12-01. Review status: criteria provided, single submitter. Criteria: CeGaT Center For Human Genetics Tuebingen Variant Classification Criteria Version 2. Collection method: clinical testing. Allele origin: germline. Affected: yes. Observed: 1 variant allele.
Comment: ABCC1: BS1